The following is an entry in ClinVar:

NM_001379500.1(COL18A1):c.2928dup (p.Gly977fs)

Genes: COL18A1 (collagen type XVIII alpha 1 chain; plus strand), SLC19A1 (solute carrier family 19 member 1; minus strand). Cytogenetic location: 21q22.3.
Variant type: Duplication.
Coding change: c.2928dup on transcript NM_001379500.1 (MANE Select); coding-DNA position 2928, one base duplicated (C; older notation c.2928dupC).
Protein change: p.Gly977fs; shifts the reading frame from glycine 977.
Molecular consequence: frameshift variant.
Genome position (GRCh38, 1-based): chr21:45,505,193, C duplicated; the last of 6 consecutive C bases (chr21:45,505,188-45,505,193); duplicating any one gives the same sequence. VCF-style (leftmost placement, unchanged base first): chr21-45505187-A-AC. GRCh37 (hg19) VCF-style: chr21-46925101-A-AC.
Other names: c.3459dup, p.Gly1154fs (NM_030582.4); c.4164dup, p.Gly1389fs (NM_130444.3); short protein forms G1154fs, G1389fs, G977fs.
Identifiers: ClinVar variation 3061311 (VCV003061311.5), dbSNP rs749541171, ClinGen allele CA10067553.

ClinVar aggregate classification (germline): Pathogenic. Review status: criteria provided, multiple submitters, no conflicts (2 of 4 stars). 3 submissions from 3 submitters: Pathogenic (2). 1 of the submissions does not count toward it. Last evaluated 2024-06-22.

Conditions:
COL18A1-related disorder. Also called: COL18A1-related condition; COL18A1-related disorders.

Submissions (3):

Labcorp Genetics (formerly Invitae), Labcorp
Classification: Pathogenic. Last evaluated: 2024-06-22. Review status: criteria provided, single submitter. Criteria: Invitae Variant Classification Sherloc (09022015). Collection method: clinical testing. Allele origin: germline.
Comment: This sequence change creates a premature translational stop signal (p.Gly974Argfs*110) in the COL18A1 gene. It is expected to result in an absent or disrupted protein product. Loss-of-function variants in COL18A1 are known to be pathogenic (PMID: 12415512, 25456301). This variant is present in population databases (rs768555371, gnomAD 0.005%). This variant has not been reported in the literature in individuals affected with COL18A1-related conditions. For these reasons, this variant has been classified as Pathogenic.

Blueprint Genetics
Classification: Pathogenic for COL18A1-related disorders. Last evaluated: 2023-06-16. Review status: criteria provided, single submitter. Criteria: ACMG Guidelines, 2015. Collection method: clinical testing. Allele origin: germline. Affected: yes. Observed: 5 variant alleles.

PreventionGenetics, part of Exact Sciences
Classification: Pathogenic for COL18A1-related condition. Last evaluated: 2024-02-27. Review status: no assertion criteria provided. Collection method: clinical testing. Allele origin: germline. Not counted in ClinVar's aggregate classification.
Comment: The COL18A1 c.3459dupC variant is predicted to result in a frameshift and premature protein termination (p.Gly1154Argfs*110). This variant is also described as c.2922dup (p.Pro975Thrfs*112) in the MANE select transcript NM_001379500.1. This variant has been reported in the homozygous state in a patient with Knobloch syndrome (described as c.4164dupC, Levinger et al. 2020. PubMed ID: 33238767). This variant is reported in 0.0053% of alleles in individuals of European (Finnish) descent in gnomAD. Frameshift variants in COL18A1 are expected to be pathogenic. This variant is interpreted as pathogenic.

Literature cited by the submitters: PubMed 12415512 (cited by Labcorp Genetics (formerly Invitae), Labcorp); PubMed 25456301 (cited by Labcorp Genetics (formerly Invitae), Labcorp).